The following is an entry in ClinVar:

NM_004423.4(DVL3):c.980G>C (p.Gly327Ala)

Gene: DVL3 (dishevelled segment polarity protein 3; plus strand). Cytogenetic location: 3q27.1.
Variant type: single nucleotide variant.
Coding change: c.980G>C on transcript NM_004423.4 (MANE Select); coding-DNA position 980, G replaced by C.
Protein change: p.Gly327Ala; replaces glycine 327 with alanine.
Molecular consequence: missense variant.
Genome position (GRCh38, 1-based): chr3:184,166,522, G>C. VCF-style: chr3-184166522-G-C. GRCh37 (hg19) VCF-style: chr3-183884310-G-C.
Other names: short protein forms G327A.
Identifiers: ClinVar variation 3729306 (VCV003729306.2).

ClinVar aggregate classification (germline): Uncertain significance (1 of 4 stars; one submission).

gnomAD v4.1: 1 of 1,614,120 alleles (0.000062%); highest among the groups gnomAD compares: South Asian, 0.0011%; no homozygotes.

Submission:

Labcorp Genetics (formerly Invitae), Labcorp
Classification: Uncertain significance. Last evaluated: 2025-03-14. Review status: criteria provided, single submitter. Criteria: Invitae Variant Classification Sherloc (09022015). Collection method: clinical testing. Allele origin: germline.
Comment: This sequence change replaces glycine, which is neutral and non-polar, with alanine, which is neutral and non-polar, at codon 327 of the DVL3 protein (p.Gly327Ala). This variant also falls at the last nucleotide of exon 9, which is part of the consensus splice site for this exon. This variant is not present in population databases (gnomAD no frequency). This variant has not been reported in the literature in individuals affected with DVL3-related conditions. An algorithm developed to predict the effect of missense changes on protein structure and function (PolyPhen-2) suggests that this variant is likely to be disruptive. Variants that disrupt the consensus splice site are a relatively common cause of aberrant splicing (PMID: 17576681, 9536098). Algorithms developed to predict the effect of sequence changes on RNA splicing suggest that this variant may disrupt the consensus splice site. In summary, the available evidence is currently insufficient to determine the role of this variant in disease. Therefore, it has been classified as a Variant of Uncertain Significance.

Literature cited by the submitters: PubMed 17576681; PubMed 9536098.